The following is an entry in ClinVar:

NM_003611.3(OFD1):c.614_617del (p.Arg205fs)

Gene: OFD1 (OFD1 centriole and centriolar satellite protein; plus strand). Cytogenetic location: Xp22.2.
Variant type: Microsatellite.
Coding change: c.614_617del on transcript NM_003611.3 (MANE Select); coding-DNA positions 614 to 617, 4 bases deleted (GAGA; older notation c.614_617delGAGA).
Protein change: p.Arg205fs; shifts the reading frame from arginine 205.
Molecular consequence: frameshift variant.
Genome position (GRCh38, 1-based): chrX:13,746,415-13,746,418, GAGA deleted; deleting any 4 consecutive bases within chrX:13,746,412-13,746,418 gives the same sequence; the c. name uses the placement nearest the transcript's 3' end. VCF-style (leftmost placement, unchanged base first): chrX-13746411-AAGAG-A. GRCh37 (hg19) VCF-style: chrX-13764530-AAGAG-A.
Other names: c.614_617del, p.Arg205fs (NM_001330209.2); c.194_197del, p.Arg65fs (NM_001330210.2); short protein forms R205fs, R65fs.
Identifiers: ClinVar variation 3065251 (VCV003065251.3), dbSNP rs312262840, ClinGen allele CA2695231383.
Genomic context (GRCh38, chrX:13,746,411, plus strand): 5'-GCAGATGCTTACCCTCAGCGTATCAAGTTCGAATCTTTAGAAATAAAGCTAAATGAGTAT[AAGAG>A]AGAAATAGAAGAGCAACTTCGGGCAGAAATGTGTCAAAAGGTAAGCTTTATCTTGTTACT-3'

ClinVar aggregate classification (germline): Pathogenic/Likely pathogenic. Review status: criteria provided, multiple submitters, no conflicts (2 of 4 stars). 2 submissions from 2 submitters: Pathogenic (1); Likely pathogenic (1). Last evaluated 2025-05-02.

Conditions:
Orofaciodigital syndrome I (OFD1). Also called: Oral-Facial-Digital Syndrome Type I; OFDS I; Papillon-Leage and Psaume Syndrome. Identifiers: Orphanet 2750, MedGen C1510460, MONDO:0010702, OMIM 311200.

Submissions (2):

GeneDx
Classification: Pathogenic. Last evaluated: 2025-05-02. Review status: criteria provided, single submitter. Criteria: GeneDx Variant Classification Process June 2021. Collection method: clinical testing. Allele origin: germline. Affected: yes.
Comment: Frameshift variant predicted to result in protein truncation or nonsense mediated decay in a gene for which loss of function is a known mechanism of disease; Not observed at significant frequency in large population cohorts (gnomAD); This variant is associated with the following publications: (PMID: 23033313)

Genomic Medicine Center of Excellence, King Faisal Specialist Hospital and Research Centre
Classification: Likely pathogenic for Orofaciodigital syndrome I. Last evaluated: 2024-03-26. Review status: criteria provided, single submitter. Criteria: ACMG Guidelines, 2015. Collection method: clinical testing. Allele origin: germline.